The following is an entry in ClinVar:

NM_004525.3(LRP2):c.9707G>T (p.Arg3236Leu)

Gene: LRP2 (LDL receptor related protein 2; minus strand). Cytogenetic location: 2q31.1.
Variant type: single nucleotide variant.
Coding change: c.9707G>T on transcript NM_004525.3 (MANE Select); coding-DNA position 9707, G replaced by T.
Protein change: p.Arg3236Leu; replaces arginine 3236 with leucine.
Molecular consequence: missense variant.
Genome position (GRCh38, 1-based): chr2:169,185,641, C>A on the plus strand (G>T on the coding strand, the complement: LRP2 is on the minus strand). VCF-style: chr2-169185641-C-A. GRCh37 (hg19) VCF-style: chr2-170042151-C-A.
Other names: short protein forms R3236L.
Identifiers: ClinVar variation 2052848 (VCV002052848.1), dbSNP rs752719843, ClinGen allele CA1953528.

ClinVar aggregate classification (germline): Uncertain significance (1 of 4 stars; one submission).

gnomAD v4.1: 1 of 1,614,160 alleles (0.000062%); highest among the groups gnomAD compares: Non-Finnish European, 0.000085%; no homozygotes.

Submission:

Labcorp Genetics (formerly Invitae), Labcorp
Classification: Uncertain significance. Last evaluated: 2021-12-29. Review status: criteria provided, single submitter. Criteria: Invitae Variant Classification Sherloc (09022015). Collection method: clinical testing. Allele origin: germline.
Comment: This sequence change replaces arginine, which is basic and polar, with leucine, which is neutral and non-polar, at codon 3236 of the LRP2 protein (p.Arg3236Leu). This variant is present in population databases (rs752719843, gnomAD 0.0009%). This variant has not been reported in the literature in individuals affected with LRP2-related conditions. Algorithms developed to predict the effect of missense changes on protein structure and function (SIFT, PolyPhen-2, Align-GVGD) all suggest that this variant is likely to be tolerated. In summary, the available evidence is currently insufficient to determine the role of this variant in disease. Therefore, it has been classified as a Variant of Uncertain Significance.